The following is an entry in ClinVar:

ClinVar aggregate classification (germline): Uncertain significance (1 of 4 stars; one submission).

gnomAD v4.1: 2 of 1,614,084 alleles (0.00012%); highest among the groups gnomAD compares: East Asian, 0.0022%; no homozygotes.

Submission:

CeGaT Center for Human Genetics Tuebingen
Classification: Uncertain significance. Last evaluated: 2025-09-01. Review status: criteria provided, single submitter. Criteria: CeGaT Center For Human Genetics Tuebingen Variant Classification Criteria Version 2. Collection method: clinical testing. Allele origin: germline. Affected: yes. Observed: 1 variant allele.
Comment: SPG7: PM2

NM_003119.4(SPG7):c.742A>G (p.Thr248Ala)

Gene: SPG7 (SPG7 matrix AAA peptidase subunit, paraplegin; plus strand). Cytogenetic location: 16q24.3.
Variant type: single nucleotide variant.
Coding change: c.742A>G on transcript NM_003119.4 (MANE Select); coding-DNA position 742, A replaced by G.
Protein change: p.Thr248Ala; replaces threonine 248 with alanine.
Molecular consequence: missense variant.
Genome position (GRCh38, 1-based): chr16:89,526,452, A>G. VCF-style: chr16-89526452-A-G. GRCh37 (hg19) VCF-style: chr16-89592860-A-G.
Other names: c.742A>G, p.Thr248Ala (NM_001363850.1, NM_199367.3); short protein forms T248A.
Identifiers: ClinVar variation 4281267 (VCV004281267.7).